The following is an entry in ClinVar:

NM_001354604.2(MITF):c.1440A>T (p.Lys480Asn)

Gene: MITF (melanocyte inducing transcription factor; plus strand). Cytogenetic location: 3p13.
Variant type: single nucleotide variant.
Coding change: c.1440A>T on transcript NM_001354604.2 (MANE Select); coding-DNA position 1440, A replaced by T.
Protein change: p.Lys480Asn; replaces lysine 480 with asparagine.
Molecular consequence: missense variant.
Genome position (GRCh38, 1-based): chr3:69,965,107, A>T. VCF-style: chr3-69965107-A-T. GRCh37 (hg19) VCF-style: chr3-70014258-A-T.
Other names: c.1119A>T, p.Lys373Asn (NM_000248.4); c.1266A>T, p.Lys422Asn (NM_001184967.2, NM_001354608.2); c.1437A>T, p.Lys479Asn (NM_001354605.2); c.1419A>T, p.Lys473Asn (NM_001354606.2, NM_006722.3); c.1371A>T, p.Lys457Asn (NM_001354607.2); c.1101A>T, p.Lys367Asn (NM_198158.3); c.1422A>T, p.Lys474Asn (NM_198159.3); c.1374A>T, p.Lys458Asn (NM_198177.3); and 1 more; short protein forms K422N, K458N, K311N, K480N, K367N, K373N, K457N, K473N.
Identifiers: ClinVar variation 1994951 (VCV001994951.5), dbSNP rs2471673084, ClinGen allele CA353559851.
Genomic context (GRCh38, chr3:69,965,107, plus strand): 5'-CCTCGGAACTGGGACTGAGGCCAACCAAGCCTATAGTGTCCCCACAAAAATGGGATCCAA[A>T]CTGGAAGACATCCTGATGGACGACACCCTTTCTCCCGTCGGTGTCACTGATCCACTCCTT-3'
Protein context (NP_001341533.1, residues 470-490): AYSVPTKMGS[Lys480Asn]LEDILMDDTL

ClinVar aggregate classification (germline): Uncertain significance. Review status: criteria provided, multiple submitters, no conflicts (2 of 4 stars). 2 submissions from 2 submitters: Uncertain significance (2). Last evaluated 2025-06-18.

Conditions:
Tietz syndrome (TADS). Also called: TIETZ ALBINISM-DEAFNESS SYNDROME; ALBINISM-DEAFNESS OF TIETZ; HYPOPIGMENTATION/DEAFNESS OF TIETZ. Identifiers: Orphanet 42665, MedGen C0391816, MONDO:0007077, OMIM 103500.
Waardenburg syndrome type 2A (WS2A). Also called: WAARDENBURG SYNDROME WITHOUT DYSTOPIA CANTHORUM. Identifiers: Orphanet 3440, MedGen C1860339, MONDO:0008671, OMIM 193510.
Melanoma, cutaneous malignant, susceptibility to, 8. Also called: Cutaneous malignant melanoma 8; MELANOMA AND RENAL CELL CARCINOMA, SUSCEPTIBILITY TO. Identifiers: Orphanet 293822, MedGen C3152204, MONDO:0013759, OMIM 614456.
Hereditary cancer-predisposing syndrome. Also called: Neoplastic Syndromes, Hereditary; Hereditary neoplastic syndrome; Tumor predisposition; Hereditary Cancer Syndrome. Identifiers: Orphanet 140162, MedGen C0027672, MeSH D009386, MONDO:0015356.

Submissions (2):

Ambry Genetics
Classification: Uncertain significance for Hereditary cancer-predisposing syndrome. Last evaluated: 2025-06-18. Review status: criteria provided, single submitter. Criteria: Ambry Variant Classification Scheme 2023. Collection method: clinical testing. Allele origin: germline.
Comment: The p.K373N variant (also known as c.1119A>T), located in coding exon 9 of the MITF gene, results from an A to T substitution at nucleotide position 1119. The lysine at codon 373 is replaced by asparagine, an amino acid with similar properties. This amino acid position is conserved. In addition, this alteration is predicted to be tolerated by in silico analysis. Based on the available evidence, the clinical significance of this variant remains unclear.

Labcorp Genetics (formerly Invitae), Labcorp
Classification: Uncertain significance for Melanoma, cutaneous malignant, susceptibility to, 8; Waardenburg syndrome type 2A; Tietz syndrome. Last evaluated: 2022-05-15. Review status: criteria provided, single submitter. Criteria: Invitae Variant Classification Sherloc (09022015). Collection method: clinical testing. Allele origin: germline.
Comment: Algorithms developed to predict the effect of missense changes on protein structure and function output the following: SIFT: "Tolerated"; PolyPhen-2: "Benign"; Align-GVGD: "Class C0". The asparagine amino acid residue is found in multiple mammalian species, which suggests that this missense change does not adversely affect protein function. In summary, the available evidence is currently insufficient to determine the role of this variant in disease. Therefore, it has been classified as a Variant of Uncertain Significance. This variant has not been reported in the literature in individuals affected with MITF-related conditions. This variant is not present in population databases (gnomAD no frequency). This sequence change replaces lysine, which is basic and polar, with asparagine, which is neutral and polar, at codon 373 of the MITF protein (p.Lys373Asn).